The following is an entry in ClinVar:

NM_001184.4(ATR):c.7334C>G (p.Pro2445Arg)

Gene: ATR (ATR serine/threonine kinase; minus strand). Cytogenetic location: 3q23.
Variant type: single nucleotide variant.
Coding change: c.7334C>G on transcript NM_001184.4 (MANE Select); coding-DNA position 7334, C replaced by G.
Protein change: p.Pro2445Arg; replaces proline 2445 with arginine.
Molecular consequence: missense variant.
Genome position (GRCh38, 1-based): chr3:142,459,242, G>C on the plus strand (C>G on the coding strand, the complement: ATR is on the minus strand). VCF-style: chr3-142459242-G-C. GRCh37 (hg19) VCF-style: chr3-142178084-G-C.
Other names: c.7142C>G, p.Pro2381Arg (NM_001354579.2); short protein forms P2445R, P2381R.
Identifiers: ClinVar variation 3461357 (VCV003461357.1).

ClinVar aggregate classification (germline): Uncertain significance (1 of 4 stars; one submission).

Conditions:
Inborn genetic diseases. Identifiers: MedGen C0950123, MeSH D030342.

Submission:

Ambry Genetics
Classification: Uncertain significance for Inborn genetic diseases. Last evaluated: 2024-10-11. Review status: criteria provided, single submitter. Criteria: Ambry Variant Classification Scheme 2023. Collection method: clinical testing. Allele origin: germline.
Comment: The p.P2445R variant (also known as c.7334C>G), located in coding exon 43 of the ATR gene, results from a C to G substitution at nucleotide position 7334. The proline at codon 2445 is replaced by arginine, an amino acid with dissimilar properties. This amino acid position is conserved. In addition, the in silico prediction for this alteration is inconclusive. Based on the available evidence, the clinical significance of this variant remains unclear.